The following is an entry in ClinVar:

NM_001379200.1(TBX1):c.56T>C (p.Val19Ala)

Gene: TBX1 (T-box transcription factor 1; plus strand). Cytogenetic location: 22q11.21.
Variant type: single nucleotide variant.
Coding change: c.56T>C on transcript NM_001379200.1 (MANE Select); coding-DNA position 56, T replaced by C.
Protein change: p.Val19Ala; replaces valine 19 with alanine.
Molecular consequence: missense variant. On other transcripts: intron variant (3).
Genome position (GRCh38, 1-based): chr22:19,760,899, T>C. VCF-style: chr22-19760899-T-C. GRCh37 (hg19) VCF-style: chr22-19748422-T-C.
Other names: c.35-6T>C (NM_005992.1, NM_080646.2, NM_080647.1); short protein forms V19A.
Identifiers: ClinVar variation 4810339 (VCV004810339.3).

ClinVar aggregate classification (germline): Conflicting classifications of pathogenicity. Review status: criteria provided, conflicting classifications (1 of 4 stars). 2 submissions from 2 submitters: Uncertain significance (1); Likely benign (1). Last evaluated 2025-04-28.

Conditions:
DiGeorge syndrome. Also called: THIRD AND FOURTH PHARYNGEAL POUCH SYNDROME; Catch22. Identifiers: Orphanet 567, MedGen C0012236, MONDO:0008564, OMIM 188400.
Tetralogy of Fallot (TOF). Identifiers: Orphanet 3303, MedGen C0039685, MONDO:0008542, OMIM 187500, HP:0001636.
Conotruncal heart malformations (CTHM). Also called: Conotruncal heart malformations, variable. Identifiers: Orphanet 2445, Orphanet 3384, Orphanet 3426, MedGen C1857586, MONDO:0016581, OMIM 217095.
Velocardiofacial syndrome (VCFS). Also called: SHPRINTZEN VCF SYNDROME; VCF SYNDROME; Shprintzen syndrome. Identifiers: Orphanet 567, MedGen C0220704, MONDO:0008644, OMIM 192430. Disease mechanism: loss of function.

gnomAD v4.1: 3 of 1,058,242 alleles (0.00028%); highest among the groups gnomAD compares: South Asian, 0.005%; no homozygotes.

Submissions (2):

Labcorp Genetics (formerly Invitae), Labcorp
Classification: Likely benign for DiGeorge syndrome. Last evaluated: 2025-04-28. Review status: criteria provided, single submitter. Criteria: Invitae Variant Classification Sherloc (09022015). Collection method: clinical testing. Allele origin: germline.

Juno Genomics, Hangzhou Juno Genomics, Inc
Classification: Uncertain significance for Conotruncal heart malformations; DiGeorge syndrome; Tetralogy of Fallot; Velocardiofacial syndrome. Review status: criteria provided, single submitter. Criteria: ACMG Guidelines, 2015. Collection method: clinical testing. Allele origin: germline.
Comment: Absent from controls (or at extremely low frequency if recessive) in Genome Aggregation Database.;Multiple lines of computational evidence support a deleterious effect on the gene or gene product.